The following is an entry in ClinVar:

NM_001029883.3(PCARE):c.2608G>A (p.Ala870Thr)

Gene: PCARE (photoreceptor cilium actin regulator; minus strand). Cytogenetic location: 2p23.2.
Variant type: single nucleotide variant.
Coding change: c.2608G>A on transcript NM_001029883.3 (MANE Select); coding-DNA position 2608, G replaced by A.
Protein change: p.Ala870Thr; replaces alanine 870 with threonine.
Molecular consequence: missense variant.
Genome position (GRCh38, 1-based): chr2:29,071,654, C>T on the plus strand (G>A on the coding strand, the complement: PCARE is on the minus strand). VCF-style: chr2-29071654-C-T. GRCh37 (hg19) VCF-style: chr2-29294520-C-T.
Other names: short protein forms A870T.
Identifiers: ClinVar variation 1380920 (VCV001380920.8), dbSNP rs1421911155, ClinGen allele CA346477026.
Genomic context (GRCh38, chr2:29,071,654, plus strand): 5'-CCAGGGGGCTCACAGAGGCCCTCAGCTTTGGGGAAGCCCATGTTCTCCTGGTGGGGCCAG[C>T]CTCTCCCGGCCCTGGCTCCTGGGTTTCCTTGGGGGAGTTCTCTGTGGACTTGCTGCTTTC-3'
Protein context (NP_001025054.1, residues 860-880): KETQEPGPGE[Ala870Thr]GPTRRTWASP

ClinVar aggregate classification (germline): Uncertain significance (1 of 4 stars; one submission).

Allele frequency attached by ClinVar (database versions not stated): gnomAD exomes below 0.00001; TOPMed 0.00001.

Submission:

Labcorp Genetics (formerly Invitae), Labcorp
Classification: Uncertain significance. Last evaluated: 2021-05-31. Review status: criteria provided, single submitter. Criteria: Invitae Variant Classification Sherloc (09022015). Collection method: clinical testing. Allele origin: germline.
Comment: In summary, the available evidence is currently insufficient to determine the role of this variant in disease. Therefore, it has been classified as a Variant of Uncertain Significance. This variant has not been reported in the literature in individuals with PCARE-related conditions. This sequence change replaces alanine with threonine at codon 870 of the PCARE protein (p.Ala870Thr). The alanine residue is highly conserved and there is a small physicochemical difference between alanine and threonine. This variant is not present in population databases (ExAC no frequency). Algorithms developed to predict the effect of missense changes on protein structure and function output the following: SIFT: "Tolerated"; PolyPhen-2: "Benign"; Align-GVGD: "Class C0". The threonine amino acid residue is found in multiple mammalian species, suggesting that this missense change does not adversely affect protein function. These predictions have not been confirmed by published functional studies and their clinical significance is uncertain.